The following is an entry in ClinVar:

ClinVar aggregate classification (germline): Uncertain significance (1 of 4 stars; one submission).

Allele frequency attached by ClinVar (database versions not stated): gnomAD exomes 0.00003 and 0.00006; ExAC 0.00005; TOPMed 0.00006; gnomAD 0.00007; ESP Exome Variant Server 0.00023.

Submission:

Labcorp Genetics (formerly Invitae), Labcorp
Classification: Uncertain significance. Last evaluated: 2023-11-14. Review status: criteria provided, single submitter. Criteria: Invitae Variant Classification Sherloc (09022015). Collection method: clinical testing. Allele origin: germline.
Comment: This sequence change replaces glycine, which is neutral and non-polar, with glutamic acid, which is acidic and polar, at codon 1101 of the FBN3 protein (p.Gly1101Glu). This variant is present in population databases (rs146492263, gnomAD 0.04%). This variant has not been reported in the literature in individuals affected with FBN3-related conditions. ClinVar contains an entry for this variant (Variation ID: 1348386). Advanced modeling of protein sequence and biophysical properties (such as structural, functional, and spatial information, amino acid conservation, physicochemical variation, residue mobility, and thermodynamic stability) performed at Invitae indicates that this missense variant is expected to disrupt FBN3 protein function with a positive predictive value of 80%. In summary, the available evidence is currently insufficient to determine the role of this variant in disease. Therefore, it has been classified as a Variant of Uncertain Significance.

NM_032447.5(FBN3):c.3302G>A (p.Gly1101Glu)

Gene: FBN3 (fibrillin 3; minus strand). Cytogenetic location: 19p13.2.
Variant type: single nucleotide variant.
Coding change: c.3302G>A on transcript NM_032447.5 (MANE Select); coding-DNA position 3302, G replaced by A.
Protein change: p.Gly1101Glu; replaces glycine 1101 with glutamic acid.
Molecular consequence: missense variant.
Genome position (GRCh38, 1-based): chr19:8,118,932, C>T on the plus strand (G>A on the coding strand, the complement: FBN3 is on the minus strand). VCF-style: chr19-8118932-C-T. GRCh37 (hg19) VCF-style: chr19-8183816-C-T.
Other names: c.3302G>A, p.Gly1101Glu (NM_001321431.2); short protein forms G1101E.
Identifiers: ClinVar variation 1348386 (VCV001348386.6), dbSNP rs146492263, ClinGen allele CA9152487.